The following is an entry in ClinVar:

ClinVar aggregate classification (germline): Uncertain significance (1 of 4 stars; one submission).

Conditions:
Hereditary cancer-predisposing syndrome. Also called: Tumor predisposition; Hereditary neoplastic syndrome; Neoplastic Syndromes, Hereditary; Hereditary Cancer Syndrome. Identifiers: Orphanet 140162, MedGen C0027672, MeSH D009386, MONDO:0015356.

Submission:

Ambry Genetics
Classification: Uncertain significance for Hereditary cancer-predisposing syndrome. Last evaluated: 2025-05-25. Review status: criteria provided, single submitter. Criteria: Ambry Variant Classification Scheme 2023. Collection method: clinical testing. Allele origin: germline.
Comment: The c.2702_2703delAA variant, located in coding exon 17 of the CTNNA1 gene, results from a deletion of two nucleotides at nucleotide positions 2702 to 2703, causing a translational frameshift with a predicted alternate stop codon (p.K901Sfs*20). This alteration occurs at the 3' terminus of the CTNNA1 gene, is not expected to trigger nonsense-mediated mRNAdecay and results in the elongation of the protein by 13 amino acids. This frameshift impacts the last 6amino acids of the native protein. The exact functional effect of the altered amino acids is unknown. Based on the available evidence, the clinical significance of this variant remains unclear.

NM_001903.5(CTNNA1):c.2702_2703del (p.Lys901fs)

Gene: CTNNA1 (catenin alpha 1; plus strand). Cytogenetic location: 5q31.2.
Variant type: Deletion.
Coding change: c.2702_2703del on transcript NM_001903.5 (MANE Select); coding-DNA positions 2702 to 2703, 2 bases deleted (AA; older notation c.2702_2703delAA).
Protein change: p.Lys901fs; shifts the reading frame from lysine 901.
Molecular consequence: frameshift variant. On other transcripts: 3 prime UTR variant (5).
Genome position (GRCh38, 1-based): chr5:138,934,070-138,934,071, AA deleted; deleting any 2 consecutive bases within chr5:138,934,069-138,934,071 gives the same sequence; the c. name uses the placement nearest the transcript's 3' end. VCF-style (leftmost placement, unchanged base first): chr5-138934068-CAA-C. GRCh37 (hg19) VCF-style: chr5-138269757-CAA-C.
Other names: c.1592_1593del, p.Lys531fs (NM_001323994.1, NM_001323995.1, NM_001323996.1 and 12 more transcripts); c.1457_1458del, p.Lys486fs (NM_001324001.1); c.*247_*248del (NM_001324002.1, NM_001324003.1, NM_001324004.1 and 2 more transcripts); c.1253_1254del, p.Lys418fs (NM_001324006.1, NM_001324007.1, NM_001324008.1 and 2 more transcripts); c.1499_1500del, p.Lys500fs (NM_001324011.1); c.1349_1350del, p.Lys450fs (NM_001324012.1, NM_001324013.1); c.2702_2703del, p.Lys901fs (NM_001323984.2, NM_001323982.2, NM_001323983.1); c.2675_2676del, p.Lys892fs (NM_001323985.2); and 3 more; short protein forms K450fs, K531fs, K798fs, K870fs, K418fs, K778fs, K901fs, K500fs.
Identifiers: ClinVar variation 4007993 (VCV004007993.1).